The following is an entry in ClinVar:

NM_000236.3(LIPC):c.262C>T (p.His88Tyr)

Gene: LIPC (lipase C, hepatic type; plus strand). Cytogenetic location: 15q21.3.
Variant type: single nucleotide variant.
Coding change: c.262C>T on transcript NM_000236.3 (MANE Select); coding-DNA position 262, C replaced by T.
Protein change: p.His88Tyr; replaces histidine 88 with tyrosine.
Molecular consequence: missense variant.
Genome position (GRCh38, 1-based): chr15:58,538,506, C>T. VCF-style: chr15-58538506-C-T. GRCh37 (hg19) VCF-style: chr15-58830705-C-T.
Other names: short protein forms H88Y.
Identifiers: ClinVar variation 2054533 (VCV002054533.4), dbSNP rs1412165633, ClinGen allele CA392611014.

ClinVar aggregate classification (germline): Uncertain significance (1 of 4 stars; one submission).

Allele frequency attached by ClinVar (database versions not stated): gnomAD exomes 0.00002.

Submission:

Labcorp Genetics (formerly Invitae), Labcorp
Classification: Uncertain significance. Last evaluated: 2022-08-23. Review status: criteria provided, single submitter. Criteria: Invitae Variant Classification Sherloc (09022015). Collection method: clinical testing. Allele origin: germline.
Comment: In summary, the available evidence is currently insufficient to determine the role of this variant in disease. Therefore, it has been classified as a Variant of Uncertain Significance. Algorithms developed to predict the effect of missense changes on protein structure and function (SIFT, PolyPhen-2, Align-GVGD) all suggest that this variant is likely to be disruptive. This variant has not been reported in the literature in individuals affected with LIPC-related conditions. This variant is present in population databases (no rsID available, gnomAD 0.002%). This sequence change replaces histidine, which is basic and polar, with tyrosine, which is neutral and polar, at codon 88 of the LIPC protein (p.His88Tyr).